The following is an entry in ClinVar:

ClinVar aggregate classification (germline): Conflicting classifications of pathogenicity. Review status: criteria provided, conflicting classifications (1 of 4 stars). 2 submissions from 2 submitters: Uncertain significance (1); Likely benign (1). Last evaluated 2025-11-04.

Conditions:
Inborn genetic diseases. Identifiers: MedGen C0950123, MeSH D030342.
Vici syndrome (VICIS). Identifiers: Orphanet 1493, MedGen C1855772, MONDO:0009452, OMIM 242840.

Allele frequency attached by ClinVar (database versions not stated): gnomAD exomes below 0.00001; gnomAD 0.00001; TOPMed 0.00004.
gnomAD v4.1: 6 of 1,614,076 alleles (0.00037%); highest among the groups gnomAD compares: African/African-American, 0.004%; no homozygotes.

Submissions (2):

Labcorp Genetics (formerly Invitae), Labcorp
Classification: Uncertain significance for Vici syndrome. Last evaluated: 2025-11-04. Review status: criteria provided, single submitter. Criteria: Invitae Variant Classification Sherloc (09022015). Collection method: clinical testing. Allele origin: germline.
Comment: This sequence change replaces asparagine, which is neutral and polar, with serine, which is neutral and polar, at codon 127 of the EPG5 protein (p.Asn127Ser). This variant is present in population databases (no rsID available, gnomAD 0.007%). This variant has not been reported in the literature in individuals affected with EPG5-related conditions. ClinVar contains an entry for this variant (Variation ID: 1507124). Invitae Evidence Modeling of protein sequence and biophysical properties (such as structural, functional, and spatial information, amino acid conservation, physicochemical variation, residue mobility, and thermodynamic stability) indicates that this missense variant is not expected to disrupt EPG5 protein function with a negative predictive value of 80%. In summary, the available evidence is currently insufficient to determine the role of this variant in disease. Therefore, it has been classified as a Variant of Uncertain Significance.

Ambry Genetics
Classification: Likely benign for Inborn genetic diseases. Last evaluated: 2025-09-24. Review status: criteria provided, single submitter. Criteria: Ambry Variant Classification Scheme 2023. Collection method: clinical testing. Allele origin: germline.

NM_020964.3(EPG5):c.380A>G (p.Asn127Ser)

Gene: EPG5 (ectopic P-granules 5 autophagy tethering factor; minus strand). Cytogenetic location: 18q21.1.
Variant type: single nucleotide variant.
Coding change: c.380A>G on transcript NM_020964.3 (MANE Select); coding-DNA position 380, A replaced by G.
Protein change: p.Asn127Ser; replaces asparagine 127 with serine.
Molecular consequence: missense variant.
Genome position (GRCh38, 1-based): chr18:45,955,022, T>C on the plus strand (A>G on the coding strand, the complement: EPG5 is on the minus strand). VCF-style: chr18-45955022-T-C. GRCh37 (hg19) VCF-style: chr18-43534988-T-C.
Other names: c.380A>G (NM_020964.2); short protein forms N127S.
Identifiers: ClinVar variation 1507124 (VCV001507124.9), dbSNP rs1027702347, ClinGen allele CA299792538.